The following is an entry in ClinVar:

ClinVar aggregate classification (germline): Likely pathogenic. Review status: criteria provided, multiple submitters, no conflicts (2 of 4 stars). 2 submissions from 2 submitters: Likely pathogenic (2). Last evaluated 2024-07-10.

Conditions:
Lynch syndrome 4 (LYNCH4). Also called: Colorectal cancer, hereditary nonpolyposis, type 4; Hereditary non-polyposis colorectal cancer, type 4. Identifiers: Orphanet 144, MedGen C1838333, MONDO:0013699, OMIM 614337. Disease mechanism: loss of function.
Hereditary cancer-predisposing syndrome. Also called: Neoplastic Syndromes, Hereditary; Tumor predisposition; Hereditary neoplastic syndrome; Hereditary Cancer Syndrome. Identifiers: Orphanet 140162, MedGen C0027672, MeSH D009386, MONDO:0015356.

Submissions (2):

Ambry Genetics
Classification: Likely pathogenic for Hereditary cancer-predisposing syndrome. Last evaluated: 2024-07-10. Review status: criteria provided, single submitter. Criteria: Ambry Variant Classification Scheme 2023. Collection method: clinical testing. Allele origin: germline.
Comment: The c.164-2A>C intronic variant results from an A to C substitution two nucleotides upstream from coding exon 3 in the PMS2 gene. This variant is considered to be rare based on population cohorts in the Genome Aggregation Database (gnomAD). This nucleotide position is highly conserved in available vertebrate species. In silico splice site analysis predicts that this alteration will weaken the native splice acceptor site and will result in the creation or strengthening of a novel splice acceptor site; however, direct evidence is insufficient at this time (Ambry internal data). Alterations that disrupt the canonical splice site are expected to cause aberrant splicing, resulting in an abnormal protein or a transcript that is subject to nonsense-mediated mRNA decay. As such, this alteration is classified as likely pathogenic.

Myriad Genetics, Inc.
Classification: Likely pathogenic for Lynch syndrome 4. Last evaluated: 2024-02-06. Review status: criteria provided, single submitter. Criteria: Myriad Autosomal Dominant, Autosomal Recessive and X-Linked Classification Criteria (2023). Collection method: clinical testing. Allele origin: unknown.
Comment: This variant is considered likely pathogenic. This variant occurs within a consensus splice junction and is predicted to result in abnormal mRNA splicing of either an out-of-frame exon or an in-frame exon necessary for protein stability and/or normal function.

NM_000535.7(PMS2):c.164-2A>C

Gene: PMS2 (PMS1 homolog 2, mismatch repair system component; minus strand). Cytogenetic location: 7p22.1.
Variant type: single nucleotide variant.
Coding change: c.164-2A>C on transcript NM_000535.7 (MANE Select); the canonical splice acceptor site of the intron before coding-DNA position 164, A replaced by C.
Molecular consequence: splice acceptor variant. On other transcripts: intron variant (1).
Genome position (GRCh38, 1-based): chr7:6,004,060, T>G on the plus strand (A>C on the coding strand, the complement: PMS2 is on the minus strand). VCF-style: chr7-6004060-T-G. GRCh37 (hg19) VCF-style: chr7-6043691-T-G.
Other names: c.-52-2A>C (NM_001322008.2, NM_001406902.1, NM_001406883.1 and 4 more transcripts); c.-218-2A>C (NM_001406881.1, NM_001406900.1); c.-189-2A>C (NM_001406895.1, NM_001406904.1, NM_001406889.1 and 6 more transcripts); c.-242-2A>C (NM_001406911.1, NM_001322010.2, NM_001322004.2 and 13 more transcripts); c.-321-2A>C (NM_001406879.1, NM_001322015.2, NM_001406878.1 and 3 more transcripts); c.-721-2A>C (NM_001322012.2, NM_001322011.2); c.-52-1424A>C (NM_001406896.1); c.164-2A>C (NM_001406885.1, NM_001406886.1, NM_001406884.1 and 11 more transcripts); and 3 more.
Identifiers: ClinVar variation 3148213 (VCV003148213.2), dbSNP rs587779324, ClinGen allele CA366744938.